The following is an entry in ClinVar:

ClinVar aggregate classification (germline): Uncertain significance. Review status: criteria provided, multiple submitters, no conflicts (2 of 4 stars). 3 submissions from 3 submitters: Uncertain significance (3). Last evaluated 2025-04-19.

Conditions:
Inborn genetic diseases. Identifiers: MedGen C0950123, MeSH D030342.

Allele frequency attached by ClinVar (database versions not stated): gnomAD 0.00001; ExAC 0.00002; gnomAD exomes 0.00002; TOPMed 0.00005.
gnomAD v4.1: 39 of 1,614,040 alleles (0.0024%); highest among the groups gnomAD compares: Middle Eastern, 0.082%; no homozygotes.

Submissions (3):

Ambry Genetics
Classification: Uncertain significance for Inborn genetic diseases. Last evaluated: 2025-04-19. Review status: criteria provided, single submitter. Criteria: Ambry Variant Classification Scheme 2023. Collection method: clinical testing. Allele origin: germline.

Blueprint Genetics
Classification: Uncertain significance. Last evaluated: 2024-10-10. Review status: criteria provided, single submitter. Criteria: ACMG Guidelines, 2015. Collection method: clinical testing. Allele origin: germline.

Labcorp Genetics (formerly Invitae), Labcorp
Classification: Uncertain significance. Last evaluated: 2022-04-24. Review status: criteria provided, single submitter. Criteria: Invitae Variant Classification Sherloc (09022015). Collection method: clinical testing. Allele origin: germline.
Comment: This sequence change replaces serine, which is neutral and polar, with asparagine, which is neutral and polar, at codon 1260 of the TTLL5 protein (p.Ser1260Asn). This variant is present in population databases (rs780814207, gnomAD 0.006%). This variant has not been reported in the literature in individuals affected with TTLL5-related conditions. ClinVar contains an entry for this variant (Variation ID: 1041011). Algorithms developed to predict the effect of missense changes on protein structure and function output the following: SIFT: "Tolerated"; PolyPhen-2: "Benign"; Align-GVGD: "Class C0". The asparagine amino acid residue is found in multiple mammalian species, which suggests that this missense change does not adversely affect protein function. In summary, the available evidence is currently insufficient to determine the role of this variant in disease. Therefore, it has been classified as a Variant of Uncertain Significance.

NM_015072.5(TTLL5):c.3779G>A (p.Ser1260Asn)

Gene: TTLL5 (tubulin tyrosine ligase like 5; plus strand). Cytogenetic location: 14q24.3.
Variant type: single nucleotide variant.
Coding change: c.3779G>A on transcript NM_015072.5 (MANE Select); coding-DNA position 3779, G replaced by A.
Protein change: p.Ser1260Asn; replaces serine 1260 with asparagine.
Molecular consequence: missense variant.
Genome position (GRCh38, 1-based): chr14:75,902,180, G>A. VCF-style: chr14-75902180-G-A. GRCh37 (hg19) VCF-style: chr14-76368523-G-A.
Other names: c.3779G>A (NM_015072.4); short protein forms S1260N.
Identifiers: ClinVar variation 1041011 (VCV001041011.8), dbSNP rs780814207, ClinGen allele CA7280165.